The following is an entry in ClinVar:

NM_000136.3(FANCC):c.389_390del (p.Glu130fs)

Gene: FANCC (FA complementation group C; minus strand). Cytogenetic location: 9q22.32.
Variant type: Deletion.
Coding change: c.389_390del on transcript NM_000136.3 (MANE Select); coding-DNA positions 389 to 390, 2 bases deleted (AA; older notation c.389_390delAA).
Protein change: p.Glu130fs; shifts the reading frame from glutamic acid 130.
Molecular consequence: frameshift variant.
Genome position (GRCh38, 1-based): chr9:95,172,103-95,172,104, TT deleted on the plus strand (AA on the coding strand, the reverse complement: FANCC is on the minus strand). VCF-style (leftmost placement, unchanged base first): chr9-95172102-CTT-C. GRCh37 (hg19) VCF-style: chr9-97934384-CTT-C.
Other names: c.389_390del (NM_000136.2); c.389_390del, p.Glu130fs (NM_001243743.2, NM_001243744.2); short protein forms E130fs.
Identifiers: ClinVar variation 576659 (VCV000576659.9), dbSNP rs1564720605, ClinGen allele CA891843274.

ClinVar aggregate classification (germline): Pathogenic (1 of 4 stars; one submission).

Conditions:
Fanconi anemia (FA). Also called: Fanconi's anemia. Identifiers: Orphanet 84, MedGen C0015625, MeSH D005199, MONDO:0019391.

Submission:

Labcorp Genetics (formerly Invitae), Labcorp
Classification: Pathogenic for Fanconi anemia. Last evaluated: 2020-02-24. Review status: criteria provided, single submitter. Criteria: Invitae Variant Classification Sherloc (09022015). Collection method: clinical testing. Allele origin: germline.
Comment: This sequence change creates a premature translational stop signal (p.Glu130Glyfs*21) in the FANCC gene. It is expected to result in an absent or disrupted protein product. This variant is not present in population databases (ExAC no frequency). This variant has not been reported in the literature in individuals with FANCC-related disease. Loss-of-function variants in FANCC are known to be pathogenic (PMID: 17924555). For these reasons, this variant has been classified as Pathogenic.

Literature cited by the submitters: PubMed 17924555.